The following is an entry in ClinVar:

ClinVar aggregate classification (germline): Conflicting classifications of pathogenicity. Review status: criteria provided, conflicting classifications (1 of 4 stars). 3 submissions from 3 submitters: Uncertain significance (2); Likely benign (1). Last evaluated 2026-02-10.

gnomAD v4.1: 92 of 1,210,394 alleles (0.0076%); highest among the groups gnomAD compares: Non-Finnish European, 0.0088%; no homozygotes.

Submissions (3):

Women's Health and Genetics/Laboratory Corporation of America, LabCorp
Classification: Uncertain significance. Last evaluated: 2026-02-10. Review status: criteria provided, single submitter. Criteria: LabCorp Variant Classification Summary - May 2015. Collection method: clinical testing. Allele origin: germline.
Comment: Variant summary: ELF4 c.1811G>A (p.Arg604His) results in a non-conservative amino acid change in the encoded protein sequence. Algorithms developed to predict the effect of missense changes on protein structure and function are either unavailable or do not agree on the potential impact of this missense change. The variant allele was found at a frequency of 8.8e-05 in 182844 control chromosomes. This frequency is not significantly higher than estimated for disease-causing variants in ELF4, allowing no conclusion about variant significance. To our knowledge, no occurrence of c.1811G>A in individuals affected with ELF4-related conditions and no experimental evidence demonstrating its impact on protein function have been reported. ClinVar contains an entry for this variant (Variation ID: 4017476). Based on the evidence outlined above, the variant was classified as uncertain significance.

CeGaT Center for Human Genetics Tuebingen
Classification: Likely benign. Last evaluated: 2025-09-01. Review status: criteria provided, single submitter. Criteria: CeGaT Center For Human Genetics Tuebingen Variant Classification Criteria Version 2. Collection method: clinical testing. Allele origin: germline. Affected: yes. Observed: 1 variant allele.
Comment: ELF4: BP4, BS2

Ambry Genetics
Classification: Uncertain significance. Last evaluated: 2025-03-27. Review status: criteria provided, single submitter. Criteria: Ambry Variant Classification Scheme 2023. Collection method: clinical testing. Allele origin: germline.

NM_001421.4(ELF4):c.1811G>A (p.Arg604His)

Gene: ELF4 (E74 like ETS transcription factor 4; minus strand). Cytogenetic location: Xq26.1.
Variant type: single nucleotide variant.
Coding change: c.1811G>A on transcript NM_001421.4 (MANE Select); coding-DNA position 1811, G replaced by A.
Protein change: p.Arg604His; replaces arginine 604 with histidine.
Molecular consequence: missense variant.
Genome position (GRCh38, 1-based): chrX:130,066,902, C>T on the plus strand (G>A on the coding strand, the complement: ELF4 is on the minus strand). VCF-style: chrX-130066902-C-T. GRCh37 (hg19) VCF-style: chrX-129200877-C-T.
Other names: c.1811G>A, p.Arg604His (NM_001127197.2); short protein forms R604H.
Identifiers: ClinVar variation 4017476 (VCV004017476.9).